The following is an entry in ClinVar:

ClinVar aggregate classification (germline): Uncertain significance. Review status: criteria provided, multiple submitters, no conflicts (2 of 4 stars). 2 submissions from 2 submitters: Uncertain significance (2). Last evaluated 2023-08-28.

Conditions:
Inborn genetic diseases. Identifiers: MedGen C0950123, MeSH D030342.

Allele frequency attached by ClinVar (database versions not stated): gnomAD 0.00003 and 0.00004; gnomAD exomes 0.00004; TOPMed 0.00013.
gnomAD v4.1: 24 of 1,613,898 alleles (0.0015%); highest among the groups gnomAD compares: Admixed American, 0.02%; no homozygotes.

Submissions (2):

Ambry Genetics
Classification: Uncertain significance for Inborn genetic diseases. Last evaluated: 2023-08-28. Review status: criteria provided, single submitter. Criteria: Ambry Variant Classification Scheme 2023. Collection method: clinical testing. Allele origin: germline.

Labcorp Genetics (formerly Invitae), Labcorp
Classification: Uncertain significance. Last evaluated: 2022-03-28. Review status: criteria provided, single submitter. Criteria: Invitae Variant Classification Sherloc (09022015). Collection method: clinical testing. Allele origin: germline.
Comment: This sequence change replaces leucine, which is neutral and non-polar, with phenylalanine, which is neutral and non-polar, at codon 557 of the COL27A1 protein (p.Leu557Phe). This variant is present in population databases (no rsID available, gnomAD 0.02%). This variant has not been reported in the literature in individuals affected with COL27A1-related conditions. Advanced modeling of protein sequence and biophysical properties (such as structural, functional, and spatial information, amino acid conservation, physicochemical variation, residue mobility, and thermodynamic stability) performed at Invitae indicates that this missense variant is not expected to disrupt COL27A1 protein function. In summary, the available evidence is currently insufficient to determine the role of this variant in disease. Therefore, it has been classified as a Variant of Uncertain Significance.

NM_032888.4(COL27A1):c.1669C>T (p.Leu557Phe)

Gene: COL27A1 (collagen type XXVII alpha 1 chain; plus strand). Cytogenetic location: 9q32.
Variant type: single nucleotide variant.
Coding change: c.1669C>T on transcript NM_032888.4 (MANE Select); coding-DNA position 1669, C replaced by T.
Protein change: p.Leu557Phe; replaces leucine 557 with phenylalanine.
Molecular consequence: missense variant.
Genome position (GRCh38, 1-based): chr9:114,169,224, C>T. VCF-style: chr9-114169224-C-T. GRCh37 (hg19) VCF-style: chr9-116931504-C-T.
Other names: c.1669C>T (NM_032888.2); short protein forms L557F.
Identifiers: ClinVar variation 1407506 (VCV001407506.4), dbSNP rs956892736, ClinGen allele CA198608829.